The following is an entry in ClinVar:

NM_001042492.3(NF1):c.3638del (p.Thr1213fs)

Gene: NF1 (neurofibromin 1; plus strand). Cytogenetic location: 17q11.2.
Variant type: Deletion.
Coding change: c.3638del on transcript NM_001042492.3 (MANE Select); coding-DNA position 3638, one base deleted (C; older notation c.3638delC).
Protein change: p.Thr1213fs; shifts the reading frame from threonine 1213.
Molecular consequence: frameshift variant.
Genome position (GRCh38, 1-based): chr17:31,233,143, C deleted. VCF-style (leftmost placement, unchanged base first): chr17-31233142-AC-A. GRCh37 (hg19) VCF-style: chr17-29560160-AC-A.
Other names: c.3638del, p.Thr1213fs (NM_000267.4); short protein forms T1213fs.
Identifiers: ClinVar variation 4729615 (VCV004729615.2).
Genomic context (GRCh38, chr17:31,233,142, plus strand): 5'-TTTGACACACTTGCAGAAACAGTATTGGCTGATCGGTTTGAGAGATTGGTGGAACTGGTC[AC>A]AATGATGGGTGATCAAGGAGAACTCCCTATAGCGATGGCTCTGGCCAATGTGGTTCCTTG-3'

ClinVar aggregate classification (germline): Pathogenic/Likely pathogenic. Review status: criteria provided, multiple submitters, no conflicts (2 of 4 stars). 2 submissions from 2 submitters: Pathogenic (1); Likely pathogenic (1). Last evaluated 2026-01-08.

Conditions:
Neurofibromatosis, type 1 (NF1). Also called: VON RECKLINGHAUSEN DISEASE; NEUROFIBROMATOSIS, TYPE I, SOMATIC; Peripheral type neurofibromatosis; Neurofibromatosis, type I. Identifiers: Orphanet 636, MedGen C0027831, MONDO:0018975, OMIM 162200. Disease mechanism: loss of function.

Submissions (2):

Variantyx, Inc.
Classification: Likely pathogenic for Neurofibromatosis, type 1. Last evaluated: 2026-01-08. Review status: criteria provided, single submitter. Criteria: Variantyx Assertion Criteria 2022. Collection method: clinical testing. Allele origin: germline. Inheritance: Autosomal dominant inheritance. Affected: yes.
Comment: This is a frameshift variant in the NF1 gene (OMIM: 613113). Pathogenic variants in this gene have been associated with autosomal dominant neurofibromatosis type 1. This variant introduces a premature termination codon in exon 27 out of 58 and is expected to result in loss of function, which is a known disease mechanism for NF1 in this disorder (PMID: 34427956, 10712197, 23913538, 10543400) (PVS1). This variant is absent from control populations (PM2), and it as not been reported in individuals with NF1-related disorders in the databases available for review. Based on the current evidence, this variant is classified as likely pathogenic for autosomal dominant neurofibromatosis type 1.

Labcorp Genetics (formerly Invitae), Labcorp
Classification: Pathogenic for Neurofibromatosis, type 1. Last evaluated: 2025-10-21. Review status: criteria provided, single submitter. Criteria: Invitae Variant Classification Sherloc (09022015). Collection method: clinical testing. Allele origin: germline.
Comment: This sequence change creates a premature translational stop signal (p.Thr1213Lysfs*2) in the NF1 gene. It is expected to result in an absent or disrupted protein product. Loss-of-function variants in NF1 are known to be pathogenic (PMID: 10712197, 23913538). This variant is not present in population databases (gnomAD no frequency). This variant has not been reported in the literature in individuals affected with NF1-related conditions. For these reasons, this variant has been classified as Pathogenic.

Literature cited by the submitters: PubMed 34427956 (cited by Variantyx, Inc.); PubMed 10712197 (cited by Variantyx, Inc. and Labcorp Genetics (formerly Invitae), Labcorp); PubMed 23913538 (cited by Variantyx, Inc. and Labcorp Genetics (formerly Invitae), Labcorp); PubMed 10543400 (cited by Variantyx, Inc.).